The following is an entry in ClinVar:

ClinVar aggregate classification (germline): Uncertain significance (1 of 4 stars; one submission).

Allele frequency attached by ClinVar (database versions not stated): ExAC 0.00002; gnomAD exomes 0.00003 and 0.00007; TOPMed 0.00010; gnomAD 0.00011; ESP Exome Variant Server 0.00015.
gnomAD v4.1: 55 of 1,613,858 alleles (0.0034%); highest among the groups gnomAD compares: Admixed American, 0.037%; 1 homozygote.

Submission:

Labcorp Genetics (formerly Invitae), Labcorp
Classification: Uncertain significance. Last evaluated: 2023-05-22. Review status: criteria provided, single submitter. Criteria: Invitae Variant Classification Sherloc (09022015). Collection method: clinical testing. Allele origin: germline.
Comment: This sequence change replaces valine, which is neutral and non-polar, with isoleucine, which is neutral and non-polar, at codon 306 of the IFT52 protein (p.Val306Ile). This variant is present in population databases (rs369948890, gnomAD 0.02%). This variant has not been reported in the literature in individuals affected with IFT52-related conditions. ClinVar contains an entry for this variant (Variation ID: 1498400). Advanced modeling of protein sequence and biophysical properties (such as structural, functional, and spatial information, amino acid conservation, physicochemical variation, residue mobility, and thermodynamic stability) performed at Invitae indicates that this missense variant is not expected to disrupt IFT52 protein function. In summary, the available evidence is currently insufficient to determine the role of this variant in disease. Therefore, it has been classified as a Variant of Uncertain Significance.

NM_016004.5(IFT52):c.916G>A (p.Val306Ile)

Gene: IFT52 (intraflagellar transport 52; plus strand). Cytogenetic location: 20q13.12.
Variant type: single nucleotide variant.
Coding change: c.916G>A on transcript NM_016004.5 (MANE Select); coding-DNA position 916, G replaced by A.
Protein change: p.Val306Ile; replaces valine 306 with isoleucine.
Molecular consequence: missense variant.
Genome position (GRCh38, 1-based): chr20:43,624,038, G>A. VCF-style: chr20-43624038-G-A. GRCh37 (hg19) VCF-style: chr20-42252678-G-A.
Other names: c.916G>A, p.Val306Ile (NM_001303458.3, NM_001303459.3); c.388G>A, p.Val130Ile (NM_001323578.2, NM_001323580.2); c.265G>A, p.Val89Ile (NM_001323579.2, NM_001323581.2); short protein forms V130I, V306I, V89I.
Identifiers: ClinVar variation 1498400 (VCV001498400.4), dbSNP rs369948890, ClinGen allele CA9867032.
Genomic context (GRCh38, chr20:43,624,038, plus strand): 5'-GACTTTACCACCCTCTTCGACCTGTCCATCTTCCAGCTGGATACCACCTCCTTCCACAGC[G>A]TCATCGAGTCAGTACCTGTGGGCCTCTGAGCCACACTGCACTCCATTCTGAGTGTTTGGT-3'
Protein context (NP_057088.2, residues 296-316): FQLDTTSFHS[Val306Ile]IEAHEQLNVK